The following is an entry in ClinVar:

NM_004560.4(ROR2):c.2359G>A (p.Val787Met)

Gene: ROR2 (receptor tyrosine kinase like orphan receptor 2; minus strand). Cytogenetic location: 9q22.31.
Variant type: single nucleotide variant.
Coding change: c.2359G>A on transcript NM_004560.4 (MANE Select); coding-DNA position 2359, G replaced by A.
Protein change: p.Val787Met; replaces valine 787 with methionine.
Molecular consequence: missense variant.
Genome position (GRCh38, 1-based): chr9:91,724,135, C>T on the plus strand (G>A on the coding strand, the complement: ROR2 is on the minus strand). VCF-style: chr9-91724135-C-T. GRCh37 (hg19) VCF-style: chr9-94486417-C-T.
Other names: short protein forms V787M.
Identifiers: ClinVar variation 1397330 (VCV001397330.8), dbSNP rs1219060338, ClinGen allele CA373794594.
Genomic context (GRCh38, chr9:91,724,135, plus strand): 5'-GGCCCTTCATGGGGATGAACTGGGGCTGTGGGAAGGGCGGGGCCTTCTGCTTGGGCCCCA[C>T]GTAGCGGGCGTTGCTCACATTGCTCACTGGGCTGGTGCTCAGGGAGCTGGTCTGCGTGGT-3'
Protein context (NP_004551.2, residues 777-797): PVSNVSNARY[Val787Met]GPKQKAPPFP

ClinVar aggregate classification (germline): Uncertain significance (1 of 4 stars; one submission).

Allele frequency attached by ClinVar (database versions not stated): gnomAD 0.00001; gnomAD exomes 0.00001.
gnomAD v4.1: 12 of 1,610,896 alleles (0.00074%); highest among the groups gnomAD compares: Admixed American, 0.0067%; no homozygotes.

Submission:

Labcorp Genetics (formerly Invitae), Labcorp
Classification: Uncertain significance. Last evaluated: 2024-01-12. Review status: criteria provided, single submitter. Criteria: Invitae Variant Classification Sherloc (09022015). Collection method: clinical testing. Allele origin: germline.
Comment: This sequence change replaces valine, which is neutral and non-polar, with methionine, which is neutral and non-polar, at codon 787 of the ROR2 protein (p.Val787Met). The frequency data for this variant in the population databases is considered unreliable, as metrics indicate poor data quality at this position in the gnomAD database. This variant has not been reported in the literature in individuals affected with ROR2-related conditions. ClinVar contains an entry for this variant (Variation ID: 1397330). Advanced modeling of protein sequence and biophysical properties (such as structural, functional, and spatial information, amino acid conservation, physicochemical variation, residue mobility, and thermodynamic stability) performed at Invitae indicates that this missense variant is not expected to disrupt ROR2 protein function with a negative predictive value of 95%. In summary, the available evidence is currently insufficient to determine the role of this variant in disease. Therefore, it has been classified as a Variant of Uncertain Significance.